The following is an entry in ClinVar:

ClinVar aggregate classification (germline): Uncertain significance (1 of 4 stars; one submission).

Conditions:
Chédiak-Higashi syndrome (CHS). Also called: Chediak-Higashi Syndrome. Identifiers: Orphanet 167, MedGen C0007965, MONDO:0008963, OMIM 214500.

Allele frequency attached by ClinVar (database versions not stated): TOPMed below 0.00001; gnomAD exomes 0.00004.
gnomAD v4.1: 63 of 1,613,564 alleles (0.0039%); highest among the groups gnomAD compares: Non-Finnish European, 0.0053%; no homozygotes.

Submission:

Labcorp Genetics (formerly Invitae), Labcorp
Classification: Uncertain significance for Chédiak-Higashi syndrome. Last evaluated: 2019-10-28. Review status: criteria provided, single submitter. Criteria: Invitae Variant Classification Sherloc (09022015). Collection method: clinical testing. Allele origin: germline.
Comment: In summary, the available evidence is currently insufficient to determine the role of this variant in disease. Therefore, it has been classified as a Variant of Uncertain Significance. Algorithms developed to predict the effect of missense changes on protein structure and function (SIFT, PolyPhen-2, Align-GVGD) all suggest that this variant is likely to be tolerated, but these predictions have not been confirmed by published functional studies and their clinical significance is uncertain. This variant has not been reported in the literature in individuals with LYST-related conditions. This variant is not present in population databases (ExAC no frequency). This sequence change replaces glutamine with glutamic acid at codon 771 of the LYST protein (p.Gln771Glu). The glutamine residue is moderately conserved and there is a small physicochemical difference between glutamine and glutamic acid.

NM_000081.4(LYST):c.2311C>G (p.Gln771Glu)

Gene: LYST (lysosomal trafficking regulator; minus strand). Cytogenetic location: 1q42.3.
Variant type: single nucleotide variant.
Coding change: c.2311C>G on transcript NM_000081.4 (MANE Select); coding-DNA position 2311, C replaced by G.
Protein change: p.Gln771Glu; replaces glutamine 771 with glutamic acid.
Molecular consequence: missense variant.
Genome position (GRCh38, 1-based): chr1:235,808,507, G>C on the plus strand (C>G on the coding strand, the complement: LYST is on the minus strand). VCF-style: chr1-235808507-G-C. GRCh37 (hg19) VCF-style: chr1-235971807-G-C.
Other names: c.2311C>G, p.Gln771Glu (NM_001301365.1); short protein forms Q771E.
Identifiers: ClinVar variation 954978 (VCV000954978.7), dbSNP rs1673114987, ClinGen allele CA344958602.